The following is an entry in ClinVar:

ClinVar aggregate classification (germline): Conflicting classifications of pathogenicity. Review status: criteria provided, conflicting classifications (1 of 4 stars). 8 submissions from 8 submitters: Uncertain significance (5); Likely benign (3). Last evaluated 2026-09-01.

Conditions:
Cardiovascular phenotype. Identifiers: MedGen CN230736.
APOB-related disorder. Also called: APOB-related condition; APOB-related disorders.
Familial hypobetalipoproteinemia 1. Also called: Hypobetalipoproteinemia, normotriglyceridemic; Acanthocytosis with hypobetalipoproteinemia; APOB-Related Familial Hypobetalipoproteinemia. Identifiers: MedGen C4551990, MONDO:0014252, OMIM 615558.
Hypercholesterolemia, autosomal dominant, type B (FHCL2). Also called: APOLIPOPROTEIN B-100, FAMILIAL DEFECTIVE; APOLIPOPROTEIN B-100, FAMILIAL LIGAND-DEFECTIVE; HYPERCHOLESTEROLEMIA, FAMILIAL, DUE TO LIGAND-DEFECTIVE APOLIPOPROTEIN B; Familial Hypercholesterolemia Type B; Hyperlipoproteinemia Type IIb; Familial hypercholesterolemia 2. Identifiers: MedGen C1704417, MONDO:0007751, OMIM 144010.
Familial hypercholesterolemia. Also called: Familial hypercholesterolaemia; Familial hypercholesterolemias. Identifiers: MedGen C0020445, MONDO:0005439.

Allele frequency attached by ClinVar (database versions not stated): gnomAD 0.00003 and 0.00004; TOPMed 0.00004; gnomAD exomes 0.00006; ExAC 0.00007.
gnomAD v4.1: 104 of 1,613,828 alleles (0.0064%); highest among the groups gnomAD compares: South Asian, 0.036%; 1 homozygote.

Submissions (8):

CeGaT Center for Human Genetics Tuebingen
Classification: Likely benign. Last evaluated: 2026-09-01. Review status: criteria provided, single submitter. Criteria: CeGaT Center For Human Genetics Tuebingen Variant Classification Criteria Version 2. Collection method: clinical testing. Allele origin: germline. Affected: yes. Observed: 1 variant allele.
Comment: APOB: BP4, BS2

Cambridge Genomics Laboratory, East Genomic Laboratory Hub, NHS Genomic Medicine Service
Classification: Uncertain significance for Familial hypercholesterolaemia. Last evaluated: 2026-07-01. Review status: criteria provided, single submitter. Criteria: ACGS Best Practice Guidelines for Variant Classification in Rare Disease 2020. Collection method: clinical testing. Allele origin: germline. Affected: yes.

Labcorp Genetics (formerly Invitae), Labcorp
Classification: Likely benign for Familial hypobetalipoproteinemia 1; Hypercholesterolemia, autosomal dominant, type B. Last evaluated: 2025-12-03. Review status: criteria provided, single submitter. Criteria: Invitae Variant Classification Sherloc (09022015). Collection method: clinical testing. Allele origin: germline.

PreventionGenetics, part of Exact Sciences
Classification: Uncertain significance for APOB-related condition. Last evaluated: 2025-07-08. Review status: criteria provided, single submitter. Criteria: ACMG Guidelines, 2015. Collection method: clinical testing. Allele origin: germline.
Comment: The APOB c.8720G>A variant is predicted to result in the amino acid substitution p.Arg2907His. To our knowledge, this variant has not been reported in the literature. This variant is reported in 0.029% of alleles in individuals of South Asian descent in gnomAD. At this time, the clinical significance of this variant is uncertain due to the absence of conclusive functional and genetic evidence.

Molecular Diagnostic Laboratory for Inherited Cardiovascular Disease, Montreal Heart Institute
Classification: Uncertain significance for Cardiovascular phenotype. Last evaluated: 2025-04-09. Review status: criteria provided, single submitter. Criteria: ACMG Guidelines, 2015. Collection method: clinical testing. Allele origin: germline. Affected: yes.

Ambry Genetics
Classification: Uncertain significance for Cardiovascular phenotype. Last evaluated: 2024-12-19. Review status: criteria provided, single submitter. Criteria: Ambry Variant Classification Scheme 2023. Collection method: clinical testing. Allele origin: germline.
Comment: The p.R2907H variant (also known as c.8720G>A), located in coding exon 26 of the APOB gene, results from a G to A substitution at nucleotide position 8720. The arginine at codon 2907 is replaced by histidine, an amino acid with highly similar properties. This amino acid position is poorly conserved in available vertebrate species, and histidine is the reference amino acid in other vertebrate species. In addition, this alteration is predicted to be tolerated by in silico analysis. Since supporting evidence is limited at this time, the clinical significance of this alteration remains unclear.

Quest Diagnostics Nichols Institute San Juan Capistrano
Classification: Uncertain significance. Last evaluated: 2023-08-04. Review status: criteria provided, single submitter. Criteria: Quest Diagnostics criteria. Collection method: clinical testing. Allele origin: unknown.
Comment: To the best of our knowledge, this variant has not been reported in the published literature. The frequency of this variant in the general population, 0.00029 (9/30604 chromosomes (Genome Aggregation Database)), is uninformative in the assessment of its pathogenicity. Analysis of this variant using bioinformatics tools for the prediction of the effect of amino acid changes on protein structure and function yielded predictions that this variant is benign. Based on the available information, we are unable to determine the clinical significance of this variant.

Color Diagnostics, LLC DBA Color Health
Classification: Likely benign for Familial hypercholesterolemias. Last evaluated: 2018-05-23. Review status: criteria provided, single submitter. Criteria: ACMG Guidelines, 2015. Collection method: clinical testing. Allele origin: germline.
Comment: Likely Benign based on current evidence: This missense variant (also known as p.Arg2880His in the mature protein) is located in the beta 2 domain of the APOB protein. Computational prediction tools and conservation analyses suggest that this variant may not impact the protein function. This variant occurs in more than 10 mammalian species, suggesting that the variant is functionally tolerated. Computational splicing tools suggest that this variant may not impact the RNA splicing. To our knowledge, functional assays have not been performed for this variant nor has the variant been reported in individuals affected with familial hypercholesterolemia in the literature. This variant has been identified in 14/246020 chromosomes in the general population by the Genome Aggregation Database (gnomAD). Based on available evidence, this variant is classified as Likely Benign.

Literature cited by the submitters: PubMed 33875564 (cited by Quest Diagnostics Nichols Institute San Juan Capistrano).

NM_000384.3(APOB):c.8720G>A (p.Arg2907His)

Gene: APOB (apolipoprotein B; minus strand). Cytogenetic location: 2p24.1.
Variant type: single nucleotide variant.
Coding change: c.8720G>A on transcript NM_000384.3 (MANE Select); coding-DNA position 8720, G replaced by A.
Protein change: p.Arg2907His; replaces arginine 2907 with histidine.
Molecular consequence: missense variant.
Genome position (GRCh38, 1-based): chr2:21,008,148, C>T on the plus strand (G>A on the coding strand, the complement: APOB is on the minus strand). VCF-style: chr2-21008148-C-T. GRCh37 (hg19) VCF-style: chr2-21231020-C-T.
Other names: short protein forms R2907H.
Identifiers: ClinVar variation 490402 (VCV000490402.25), dbSNP rs751437976, ClinGen allele CA065935.